The following is an entry in ClinVar:

ClinVar aggregate classification (germline): Uncertain significance (1 of 4 stars; one submission).

Conditions:
Hereditary cancer-predisposing syndrome. Also called: Hereditary Cancer Syndrome; Tumor predisposition; Hereditary neoplastic syndrome; Neoplastic Syndromes, Hereditary. Identifiers: Orphanet 140162, MedGen C0027672, MeSH D009386, MONDO:0015356.

gnomAD v4.1: 3 of 1,595,598 alleles (0.00019%); highest among the groups gnomAD compares: Non-Finnish European, 0.00026%; no homozygotes.

Submission:

Ambry Genetics
Classification: Uncertain significance for Hereditary cancer-predisposing syndrome. Last evaluated: 2024-07-15. Review status: criteria provided, single submitter. Criteria: Ambry Variant Classification Scheme 2023. Collection method: clinical testing. Allele origin: germline.
Comment: The p.I184V variant (also known as c.550A>G), located in coding exon 6 of the MRE11A gene, results from an A to G substitution at nucleotide position 550. The isoleucine at codon 184 is replaced by valine, an amino acid with highly similar properties. This amino acid position is conserved. In addition, the in silico prediction for this alteration is inconclusive. Based on the available evidence, the clinical significance of this variant remains unclear.

NM_005591.4(MRE11):c.550A>G (p.Ile184Val)

Gene: MRE11 (MRE11 double strand break repair nuclease; minus strand). Cytogenetic location: 11q21.
Variant type: single nucleotide variant.
Coding change: c.550A>G on transcript NM_005591.4 (MANE Select); coding-DNA position 550, A replaced by G.
Protein change: p.Ile184Val; replaces isoleucine 184 with valine.
Molecular consequence: missense variant.
Genome position (GRCh38, 1-based): chr11:94,476,398, T>C on the plus strand (A>G on the coding strand, the complement: MRE11 is on the minus strand). VCF-style: chr11-94476398-T-C. GRCh37 (hg19) VCF-style: chr11-94209564-T-C.
Other names: c.550A>G, p.Ile184Val (NM_001330347.2, NM_005590.4); short protein forms I184V.
Identifiers: ClinVar variation 3397826 (VCV003397826.1).